The following is an entry in ClinVar:

ClinVar aggregate classification (germline): Uncertain significance. Review status: criteria provided, multiple submitters, no conflicts (2 of 4 stars). 2 submissions from 2 submitters: Uncertain significance (2). Last evaluated 2025-02-14.

Allele frequency attached by ClinVar (database versions not stated): gnomAD 0.00002; gnomAD exomes 0.00003; TOPMed 0.00003; ESP Exome Variant Server 0.00022.
gnomAD v4.1: 45 of 1,536,454 alleles (0.0029%); highest among the groups gnomAD compares: African/African-American, 0.0041%; no homozygotes.

Submissions (2):

Ambry Genetics
Classification: Uncertain significance. Last evaluated: 2025-02-14. Review status: criteria provided, single submitter. Criteria: Ambry Variant Classification Scheme 2023. Collection method: clinical testing. Allele origin: germline.

Labcorp Genetics (formerly Invitae), Labcorp
Classification: Uncertain significance. Last evaluated: 2024-12-16. Review status: criteria provided, single submitter. Criteria: Invitae Variant Classification Sherloc (09022015). Collection method: clinical testing. Allele origin: germline.
Comment: This sequence change replaces arginine, which is basic and polar, with cysteine, which is neutral and slightly polar, at codon 324 of the GCGR protein (p.Arg324Cys). The frequency data for this variant in the population databases is considered unreliable, as metrics indicate poor data quality at this position in the gnomAD database. This variant has not been reported in the literature in individuals affected with GCGR-related conditions. ClinVar contains an entry for this variant (Variation ID: 2890271). An algorithm developed to predict the effect of missense changes on protein structure and function (PolyPhen-2) suggests that this variant is likely to be disruptive. In summary, the available evidence is currently insufficient to determine the role of this variant in disease. Therefore, it has been classified as a Variant of Uncertain Significance.

NM_000160.5(GCGR):c.970C>T (p.Arg324Cys)

Gene: GCGR (glucagon receptor; plus strand). Cytogenetic location: 17q25.3.
Variant type: single nucleotide variant.
Coding change: c.970C>T on transcript NM_000160.5 (MANE Select); coding-DNA position 970, C replaced by T.
Protein change: p.Arg324Cys; replaces arginine 324 with cysteine.
Molecular consequence: missense variant.
Genome position (GRCh38, 1-based): chr17:81,812,598, C>T. VCF-style: chr17-81812598-C-T. GRCh37 (hg19) VCF-style: chr17-79770474-C-T.
Other names: c.970C>T (NM_000160.3); short protein forms R324C.
Identifiers: ClinVar variation 2890271 (VCV002890271.4), dbSNP rs371422062, ClinGen allele CA295101353.
Genomic context (GRCh38, chr17:81,812,598, plus strand): 5'-GGGCTCGGGATGCCCCTGACTCGCACCCTTCTCACACAGATCAACTTCTTCATCTTCGTC[C>T]GCATCGTTCAGCTGCTCGTGGCCAAGCTGCGGGCACGGCAGATGCACCACACAGACTACA-3'
Protein context (NP_000151.1, residues 314-334): AILINFFIFV[Arg324Cys]IVQLLVAKLR